The following is an entry in ClinVar:

NM_000088.4(COL1A1):c.2613+14G>A

Gene: COL1A1 (collagen type I alpha 1 chain; minus strand). Cytogenetic location: 17q21.33.
Variant type: single nucleotide variant.
Coding change: c.2613+14G>A on transcript NM_000088.4 (MANE Select); 14 bases into the intron after coding-DNA position 2613, G replaced by A.
Molecular consequence: intron variant.
Genome position (GRCh38, 1-based): chr17:50,189,845, C>T on the plus strand (G>A on the coding strand, the complement: COL1A1 is on the minus strand). VCF-style: chr17-50189845-C-T. GRCh37 (hg19) VCF-style: chr17-48267206-C-T.
Identifiers: ClinVar variation 324107 (VCV000324107.21), dbSNP rs41316685, ClinGen allele CA8644738.

ClinVar aggregate classification (germline): Benign. Review status: criteria provided, multiple submitters, no conflicts (2 of 4 stars). 7 submissions from 5 submitters: Benign (7). Last evaluated 2026-05-11.

Conditions:
Osteogenesis imperfecta type I (OI1). Also called: Osteogenesis imperfecta type 1; Lobstein disease; Classic Non-deforming Osteogenesis Imperfecta with Blue Sclerae; Lobstein's Disease; OI, TYPE I; OSTEOGENESIS IMPERFECTA TARDA. Identifiers: Orphanet 216796, Orphanet 666, MedGen C0023931, MONDO:0008146, OMIM 166200. Disease mechanism: loss of function.
Osteogenesis imperfecta (OI). Identifiers: Orphanet 666, MedGen C0029434, MeSH D010013, MONDO:0019019.
Ehlers-Danlos syndrome, arthrochalasia type. Also called: ARTHROCHALASIS MULTIPLEX CONGENITA; EDS VII, MUTANT PROCOLLAGEN TYPE; EDS VIIA; Ehlers-Danlos syndrome, arthrochalasis type; Ehlers-Danlos syndrome, arthrochalasia type, 1. Identifiers: Orphanet 1899, Orphanet 99875, Orphanet 99876, MedGen C4551623, MONDO:0007525, OMIM 130060.
Infantile cortical hyperostosis. Also called: P1PK BLOOD GROUP SYSTEM, P(2) PHENOTYPE; Caffey Disease; Hyperostosis, Cortical, Congenital. Identifiers: Orphanet 1310, MedGen C0020497, MONDO:0007244, OMIM 114000.

Allele frequency attached by ClinVar (database versions not stated): TOPMed 0.00170; 1000 Genomes Project 30x 0.00781; gnomAD 0.00143 and 0.00101; 1000 Genomes Project 0.00859.
gnomAD v4.1: 1,650 of 1,606,874 alleles (0.1%); highest among the groups gnomAD compares: East Asian, 2.8%; 27 homozygotes.

Submissions (7):

Women's Health and Genetics/Laboratory Corporation of America, LabCorp
Classification: Benign. Last evaluated: 2026-05-11. Review status: criteria provided, single submitter. Criteria: LabCorp Variant Classification Summary - May 2015. Collection method: clinical testing. Allele origin: germline.

Labcorp Genetics (formerly Invitae), Labcorp
Classification: Benign for Osteogenesis imperfecta type I. Last evaluated: 2026-02-01. Review status: criteria provided, single submitter. Criteria: Invitae Variant Classification Sherloc (09022015). Collection method: clinical testing. Allele origin: germline.

ARUP Laboratories, Molecular Genetics and Genomics, ARUP Laboratories
Classification: Benign. Last evaluated: 2025-02-24. Review status: criteria provided, single submitter. Criteria: ARUP Molecular Germline Variant Investigation Process 2024. Collection method: clinical testing. Allele origin: germline.

Illumina Laboratory Services, Illumina
Classification: Benign for Infantile cortical hyperostosis. Last evaluated: 2018-01-13. Review status: criteria provided, single submitter. Criteria: ICSL Variant Classification Criteria 13 December 2019. Collection method: clinical testing. Allele origin: germline.
Comment: This variant was observed in the ICSL laboratory as part of a predisposition screen in an ostensibly healthy population. It had not been previously curated by ICSL or reported in the Human Gene Mutation Database (HGMD: prior to June 1st, 2018), and was therefore a candidate for classification through an automated scoring system. Utilizing variant allele frequency, disease prevalence and penetrance estimates, and inheritance mode, an automated score was calculated to assess if this variant is too frequent to cause the disease. Based on the score and internal cut-off values, a variant classified as benign is not then subjected to further curation. The score for this variant resulted in a classification of benign for this disease.

Illumina Laboratory Services, Illumina
Classification: Benign for Ehlers-Danlos syndrome, arthrochalasia type. Last evaluated: 2018-01-13. Review status: criteria provided, single submitter. Criteria: ICSL Variant Classification Criteria 13 December 2019. Collection method: clinical testing. Allele origin: germline.
Comment: the same text as in the submission from Illumina Laboratory Services, Illumina above.

Illumina Laboratory Services, Illumina
Classification: Benign for Osteogenesis imperfecta. Last evaluated: 2018-01-13. Review status: criteria provided, single submitter. Criteria: ICSL Variant Classification Criteria 13 December 2019. Collection method: clinical testing. Allele origin: germline.
Comment: the same text as in the submission from Illumina Laboratory Services, Illumina above.

GeneDx
Classification: Benign. Last evaluated: 2017-01-04. Review status: criteria provided, single submitter. Criteria: GeneDx Variant Classification (06012015). Collection method: clinical testing. Allele origin: germline. Affected: yes.
Comment: This variant is considered likely benign or benign based on one or more of the following criteria: it is a conservative change, it occurs at a poorly conserved position in the protein, it is predicted to be benign by multiple in silico algorithms, and/or has population frequency not consistent with disease.